The following is an entry in ClinVar:

ClinVar aggregate classification (germline): Uncertain significance (1 of 4 stars; one submission).

Conditions:
Developmental and epileptic encephalopathy, 31A. Also called: Developmental and epileptic encephalopathy, 31; Epileptic encephalopathy, early infantile, 31. Identifiers: Orphanet 2382, MedGen C4225357, MONDO:0014598, OMIM 616346.

gnomAD v4.1: 2 of 1,595,210 alleles (0.00013%); highest among the groups gnomAD compares: East Asian, 0.0022%; no homozygotes.

Submission:

Labcorp Genetics (formerly Invitae), Labcorp
Classification: Uncertain significance for Developmental and epileptic encephalopathy, 31A. Last evaluated: 2023-11-03. Review status: criteria provided, single submitter. Criteria: Invitae Variant Classification Sherloc (09022015). Collection method: clinical testing. Allele origin: germline.
Comment: This sequence change replaces arginine, which is basic and polar, with leucine, which is neutral and non-polar, at codon 846 of the DNM1 protein (p.Arg846Leu). The frequency data for this variant in the population databases is considered unreliable, as metrics indicate poor data quality at this position in the gnomAD database. This variant has not been reported in the literature in individuals affected with DNM1-related conditions. An algorithm developed to predict the effect of missense changes on protein structure and function (PolyPhen-2) suggests that this variant is likely to be tolerated. In summary, the available evidence is currently insufficient to determine the role of this variant in disease. Therefore, it has been classified as a Variant of Uncertain Significance.

NM_004408.4(DNM1):c.2537G>T (p.Arg846Leu)

Gene: DNM1 (dynamin 1; plus strand). Cytogenetic location: 9q34.11.
Variant type: single nucleotide variant.
Coding change: c.2537G>T on transcript NM_004408.4 (MANE Select); coding-DNA position 2537, G replaced by T.
Protein change: p.Arg846Leu; replaces arginine 846 with leucine.
Molecular consequence: missense variant. On other transcripts: 3 prime UTR variant (4).
Genome position (GRCh38, 1-based): chr9:128,254,656, G>T. VCF-style: chr9-128254656-G-T. GRCh37 (hg19) VCF-style: chr9-131016935-G-T.
Other names: c.*18G>T (NM_001005336.3, NM_001288737.2); c.*663G>T (NM_001288738.2); c.2537G>T, p.Arg846Leu (NM_001288739.2); c.*578G>T (NM_001374269.1); short protein forms R846L.
Identifiers: ClinVar variation 3023596 (VCV003023596.3), dbSNP rs758567328, ClinGen allele CA375002953.